The following is an entry in ClinVar:

NM_020442.6(VARS2):c.1164G>A (p.Thr388=)

Gene: VARS2 (valyl-tRNA synthetase 2, mitochondrial; plus strand). Cytogenetic location: 6p21.33.
Variant type: single nucleotide variant.
Coding change: c.1164G>A on transcript NM_020442.6 (MANE Select); coding-DNA position 1164, G replaced by A.
Protein change: p.Thr388=; no amino-acid change (threonine 388 retained).
Molecular consequence: synonymous variant.
Genome position (GRCh38, 1-based): chr6:30,919,847, G>A. VCF-style: chr6-30919847-G-A. GRCh37 (hg19) VCF-style: chr6-30887624-G-A.
Other names: c.744G>A, p.Thr248= (NM_001167733.3); c.1254G>A, p.Thr418= (NM_001167734.2).
Identifiers: ClinVar variation 1915664 (VCV001915664.5), dbSNP rs113481866, ClinGen allele CA3705826.

ClinVar aggregate classification (germline): Uncertain significance (1 of 4 stars; one submission).

Allele frequency attached by ClinVar (database versions not stated): ExAC 0.00001; gnomAD 0.00001; gnomAD exomes 0.00001.

Submission:

Labcorp Genetics (formerly Invitae), Labcorp
Classification: Uncertain significance. Last evaluated: 2022-08-06. Review status: criteria provided, single submitter. Criteria: Invitae Variant Classification Sherloc (09022015). Collection method: clinical testing. Allele origin: germline.
Comment: In summary, the available evidence is currently insufficient to determine the role of this variant in disease. Therefore, it has been classified as a Variant of Uncertain Significance. Algorithms developed to predict the effect of sequence changes on RNA splicing suggest that this variant is not likely to affect RNA splicing. This variant has not been reported in the literature in individuals affected with VARS2-related conditions. The frequency data for this variant in the population databases is considered unreliable, as metrics indicate poor data quality at this position in the gnomAD database. This sequence change affects codon 418 of the VARS2 mRNA. It is a 'silent' change, meaning that it does not change the encoded amino acid sequence of the VARS2 protein. It affects a nucleotide within the consensus splice site.